The following is an entry in ClinVar:

NM_002948.5(RPL15):c.212G>A (p.Arg71Gln)

Genes: NKIRAS1 (NFKB inhibitor interacting Ras like 1; minus strand), RPL15 (ribosomal protein L15; plus strand). Cytogenetic location: 3p24.2.
Variant type: single nucleotide variant.
Coding change: c.212G>A on transcript NM_002948.5 (MANE Select); coding-DNA position 212, G replaced by A.
Protein change: p.Arg71Gln; replaces arginine 71 with glutamine.
Molecular consequence: missense variant. On other transcripts: intron variant (1).
Genome position (GRCh38, 1-based): chr3:23,918,479, G>A. VCF-style: chr3-23918479-G-A. GRCh37 (hg19) VCF-style: chr3-23959970-G-A.
Other names: c.212G>A, p.Arg71Gln (NM_001253379.2, NM_001253380.2, NM_001253382.2 and 2 more transcripts); c.-139-7029C>T (NM_001377380.1); short protein forms R71Q.
Identifiers: ClinVar variation 2013579 (VCV002013579.4), dbSNP rs2471220957, ClinGen allele CA351881625.

ClinVar aggregate classification (germline): Uncertain significance (1 of 4 stars; one submission).

Submission:

Labcorp Genetics (formerly Invitae), Labcorp
Classification: Uncertain significance. Last evaluated: 2022-07-03. Review status: criteria provided, single submitter. Criteria: Invitae Variant Classification Sherloc (09022015). Collection method: clinical testing. Allele origin: germline.
Comment: This sequence change replaces arginine, which is basic and polar, with glutamine, which is neutral and polar, at codon 71 of the RPL15 protein (p.Arg71Gln). This variant is not present in population databases (gnomAD no frequency). In summary, the available evidence is currently insufficient to determine the role of this variant in disease. Therefore, it has been classified as a Variant of Uncertain Significance. Algorithms developed to predict the effect of missense changes on protein structure and function are either unavailable or do not agree on the potential impact of this missense change (SIFT: "Deleterious"; PolyPhen-2: "Benign"; Align-GVGD: "Class C35"). This variant has not been reported in the literature in individuals affected with RPL15-related conditions.